The following is an entry in ClinVar:

NM_000090.4(COL3A1):c.1694C>A (p.Pro565His)

Gene: COL3A1 (collagen type III alpha 1 chain; plus strand). Cytogenetic location: 2q32.2.
Variant type: single nucleotide variant.
Coding change: c.1694C>A on transcript NM_000090.4 (MANE Select); coding-DNA position 1694, C replaced by A.
Protein change: p.Pro565His; replaces proline 565 with histidine.
Molecular consequence: missense variant.
Genome position (GRCh38, 1-based): chr2:188,996,429, C>A. VCF-style: chr2-188996429-C-A. GRCh37 (hg19) VCF-style: chr2-189861155-C-A.
Other names: short protein forms P565H.
Identifiers: ClinVar variation 404308 (VCV000404308.22), dbSNP rs144260440, ClinGen allele CA074564.
Genomic context (GRCh38, chr2:188,996,429, plus strand): 5'-CCTTTATTAATGTAATTTTTTCTTATTAGGGAAGTCAAGGAGAAAGTGGTCGACCAGGTC[C>A]TCCTGGGCCATCTGGTCCCCGAGGTCAGCCTGGTGTCATGGGCTTCCCCGGTCCTAAAGG-3'
Protein context (NP_000081.2, residues 555-575): GSQGESGRPG[Pro565His]PGPSGPRGQP

ClinVar aggregate classification (germline): Uncertain significance. Review status: criteria provided, multiple submitters, no conflicts (2 of 4 stars). 6 submissions from 6 submitters: Uncertain significance (6). Last evaluated 2025-12-12.

Conditions:
Ehlers-Danlos syndrome, type 4 (EDSVASC). Also called: Ehlers-Danlos Syndrome Type IV; Ehlers-Danlos syndrome vascular type; Ehlers Danlos syndrome, ecchymotic type; Ehlers Danlos syndrome, arterial type; Ehlers Danlos syndrome, Sack-Barabas type. Identifiers: Orphanet 286, MedGen C0268338, MONDO:0017314, OMIM 130050.
Polymicrogyria with or without vascular-type Ehlers-Danlos syndrome. Identifiers: Orphanet 636941, MedGen C5193040, MONDO:0032688, OMIM 618343.
Familial thoracic aortic aneurysm and aortic dissection (TAAD). Also called: Thoracic aortic aneurysms and dissections. Identifiers: Orphanet 91387, MedGen C4707243, MONDO:0019625.

Allele frequency attached by ClinVar (database versions not stated): gnomAD exomes below 0.00001 and 0.00002; ExAC 0.00003; ESP Exome Variant Server 0.00008; TOPMed 0.00008; gnomAD 0.00009 and 0.00011.
gnomAD v4.1: 20 of 1,613,756 alleles (0.0012%); highest among the groups gnomAD compares: African/African-American, 0.027%; no homozygotes.

Submissions (6):

GeneDx
Classification: Uncertain significance. Last evaluated: 2025-12-12. Review status: criteria provided, single submitter. Criteria: GeneDx Variant Classification Process June 2021. Collection method: clinical testing. Allele origin: germline. Affected: yes.
Comment: In silico analysis supports that this missense variant has a deleterious effect on protein structure/function; Occurs in the triple helical domain at the X position in the canonical Gly-X-Y repeat; although this variant may have an effect on normal protein folding and function, missense substitution at the X position is not a common mechanism of disease (HGMD).; Has not been previously published as pathogenic or benign to our knowledge

Labcorp Genetics (formerly Invitae), Labcorp
Classification: Uncertain significance for Ehlers-Danlos syndrome, type 4. Last evaluated: 2025-04-09. Review status: criteria provided, single submitter. Criteria: Invitae Variant Classification Sherloc (09022015). Collection method: clinical testing. Allele origin: germline.
Comment: This sequence change replaces proline, which is neutral and non-polar, with histidine, which is basic and polar, at codon 565 of the COL3A1 protein (p.Pro565His). This variant is present in population databases (rs144260440, gnomAD 0.04%). This variant has not been reported in the literature in individuals affected with COL3A1-related conditions. ClinVar contains an entry for this variant (Variation ID: 404308). Invitae Evidence Modeling of protein sequence and biophysical properties (such as structural, functional, and spatial information, amino acid conservation, physicochemical variation, residue mobility, and thermodynamic stability) has been performed for this missense variant. However, the output from this modeling did not meet the statistical confidence thresholds required to predict the impact of this variant on COL3A1 protein function. In summary, the available evidence is currently insufficient to determine the role of this variant in disease. Therefore, it has been classified as a Variant of Uncertain Significance.

All of Us Research Program, National Institutes of Health
Classification: Uncertain significance for Ehlers-Danlos syndrome, type 4. Last evaluated: 2024-05-30. Review status: criteria provided, single submitter. Criteria: ACMG Guidelines, 2015. Collection method: clinical testing. Allele origin: germline. Inheritance: Autosomal dominant inheritance. Observed: 3 variant alleles, 3 heterozygotes.
Comment: Variant of Uncertain Significance due to insufficient evidence: This missense variant is located in the triple-helical region of the COL3A1 protein. Computational prediction tools and conservation analyses suggest that this variant may have deleterious impact on the protein function. Computational splicing tools suggest that this variant may not impact RNA splicing. To our knowledge, functional assays have not been performed for this variant nor has this variant been reported in individuals affected with cardiovascular disorders in the literature. This variant has been identified in 9/277102 chromosomes (9/24024 African chromosomes) in the general population by the Genome Aggregation Database (gnomAD). Available evidence is insufficient to determine the role of this variant in disease conclusively.

This study involves interpretation of variants in research participants for the purpose of population health screening. Participant phenotype was not available at the time of variant classification. Additional details can be found in publication PMID: 35346344, PMCID: PMC8962531

Color Diagnostics, LLC DBA Color Health
Classification: Uncertain significance for Familial thoracic aortic aneurysm and aortic dissection. Last evaluated: 2024-03-06. Review status: criteria provided, single submitter. Criteria: ACMG Guidelines, 2015. Collection method: clinical testing. Allele origin: germline.
Comment: This missense variant replaces proline with histidine at codon 565 of the COL3A1 protein. Computational prediction suggests that this variant may have deleterious impact on protein structure and function (internally defined REVEL score threshold >= 0.7, PMID: 27666373). To our knowledge, functional studies have not been reported for this variant. This variant has not been reported in individuals affected with COL3A1-related disorders in the literature. This variant has been identified in 9/282690 chromosomes in the general population by the Genome Aggregation Database (gnomAD). The available evidence is insufficient to determine the role of this variant in disease conclusively. Therefore, this variant is classified as a Variant of Uncertain Significance.

Fulgent Genetics
Classification: Uncertain significance for Ehlers-Danlos syndrome, type 4; Polymicrogyria with or without vascular-type Ehlers-Danlos syndrome. Last evaluated: 2021-09-07. Review status: criteria provided, single submitter. Criteria: ACMG Guidelines, 2015. Collection method: clinical testing. Allele origin: unknown.

Women's Health and Genetics/Laboratory Corporation of America, LabCorp
Classification: Uncertain significance. Last evaluated: 2019-07-29. Review status: criteria provided, single submitter. Criteria: LabCorp Variant Classification Summary - May 2015. Collection method: clinical testing. Allele origin: germline.
Comment: Variant summary: COL3A1 c.1694C>A (p.Pro565His) results in a non-conservative amino acid change located in the Collagen triple helix repeat domain (IPR008160) of the encoded protein sequence. Five of five in-silico tools predict a damaging effect of the variant on protein function. The variant allele was found at a frequency of 2.4e-05 in 251376 control chromosomes (gnomAD). The available data on variant occurrences in the general population are insufficient to allow any conclusion about variant significance. To our knowledge, no occurrence of c.1694C>A in individuals affected with Aortopathy and no experimental evidence demonstrating its impact on protein function have been reported. A ClinVar submitter (evaluation after 2014) cites the variant as uncertain significance. Based on the evidence outlined above, the variant was classified as uncertain significance.